The following is an entry in ClinVar:

ClinVar aggregate classification (germline): Uncertain significance (1 of 4 stars; one submission).

Conditions:
Hereditary cancer-predisposing syndrome. Also called: Hereditary neoplastic syndrome; Tumor predisposition; Neoplastic Syndromes, Hereditary; Hereditary Cancer Syndrome. Identifiers: Orphanet 140162, MedGen C0027672, MeSH D009386, MONDO:0015356.

gnomAD v4.1: 6 of 506,382 alleles (0.0012%); highest among the groups gnomAD compares: Non-Finnish European, 0.0019%; no homozygotes.

Submission:

Sema4
Classification: Uncertain significance for Hereditary cancer-predisposing syndrome. Last evaluated: 2022-01-10. Review status: criteria provided, single submitter. Criteria: Sema4 Curation Guidelines. Collection method: curation. Allele origin: germline.
Comment: The BRCA1 c.*1139G>A variant has not been reported in the literature to our knowledge. This variant was observed in 2/69432 chromosomes in the Non-Finnish European population according to the Genome Aggregation Database (PMID: 32461654). The variant has been reported in ClinVar (Variation ID 877355). Predictions on the effect of sequence changes by in silico tools are not available for this variant, and functional studies have not been performed. The overall evidence is insufficient to meet ACMG/AMP criteria for classifying it as benign or pathogenic. In summary, the clinical significance of this variant is currently uncertain.

NM_007294.4(BRCA1):c.*1139G>A

Gene: BRCA1 (BRCA1 DNA repair associated; minus strand). Cytogenetic location: 17q21.31.
Variant type: single nucleotide variant.
Coding change: c.*1139G>A on transcript NM_007294.4 (MANE Select); 1139 bases downstream of the stop codon, G replaced by A.
Molecular consequence: 3 prime UTR variant. On other transcripts: non-coding transcript variant (1).
Genome position (GRCh38, 1-based): chr17:43,044,539, C>T on the plus strand (G>A on the coding strand, the complement: BRCA1 is on the minus strand). VCF-style: chr17-43044539-C-T. GRCh37 (hg19) VCF-style: chr17-41196556-C-T.
Other names: c.*1139G>A (NM_001407897.1, NM_001407898.1, NM_001407899.1 and 348 more transcripts); c.*1245G>A (NM_001407937.1, NM_001407938.1, NM_001407939.1 and 14 more transcripts).
Identifiers: ClinVar variation 1692954 (VCV001692954.1), dbSNP rs746187092, ClinGen allele CA290814931.